The following is an entry in ClinVar:

NM_152564.5(VPS13B):c.6682A>G (p.Asn2228Asp)

Gene: VPS13B (vacuolar protein sorting 13 homolog B; plus strand). Cytogenetic location: 8q22.2.
Variant type: single nucleotide variant.
Coding change: c.6682A>G on transcript NM_152564.5 (MANE Select); coding-DNA position 6682, A replaced by G.
Protein change: p.Asn2228Asp; replaces asparagine 2228 with aspartic acid.
Molecular consequence: missense variant.
Genome position (GRCh38, 1-based): chr8:99,720,369, A>G. VCF-style: chr8-99720369-A-G. GRCh37 (hg19) VCF-style: chr8-100732597-A-G.
Other names: c.6757A>G, p.Asn2253Asp (NM_017890.5); c.6757A>G (NM_017890.3); short protein forms N2253D, N2228D.
Identifiers: ClinVar variation 1959054 (VCV001959054.6), dbSNP rs1833088056, ClinGen allele CA371867571.

ClinVar aggregate classification (germline): Uncertain significance. Review status: criteria provided, multiple submitters, no conflicts (2 of 4 stars). 2 submissions from 2 submitters: Uncertain significance (2). Last evaluated 2025-08-08.

Conditions:
Cohen syndrome (COH1). Also called: Cutis verticis gyrata, retinitis pigmentosa, and sensorineural deafness; PEPPER SYNDROME. Identifiers: Orphanet 193, MedGen C0265223, MONDO:0008999, OMIM 216550.
Inborn genetic diseases. Identifiers: MedGen C0950123, MeSH D030342.

Allele frequency attached by ClinVar (database versions not stated): gnomAD exomes below 0.00001; TOPMed below 0.00001; gnomAD 0.00001.
gnomAD v4.1: 2 of 1,613,170 alleles (0.00012%); highest among the groups gnomAD compares: Non-Finnish European, 0.00017%; no homozygotes.

Submissions (2):

Ambry Genetics
Classification: Uncertain significance for Inborn genetic diseases. Last evaluated: 2025-08-08. Review status: criteria provided, single submitter. Criteria: Ambry Variant Classification Scheme 2023. Collection method: clinical testing. Allele origin: germline.

Labcorp Genetics (formerly Invitae), Labcorp
Classification: Uncertain significance for Cohen syndrome. Last evaluated: 2022-05-17. Review status: criteria provided, single submitter. Criteria: Invitae Variant Classification Sherloc (09022015). Collection method: clinical testing. Allele origin: germline.
Comment: In summary, the available evidence is currently insufficient to determine the role of this variant in disease. Therefore, it has been classified as a Variant of Uncertain Significance. Algorithms developed to predict the effect of missense changes on protein structure and function are either unavailable or do not agree on the potential impact of this missense change (SIFT: "Not Available"; PolyPhen-2: "Benign"; Align-GVGD: "Not Available"). This variant has not been reported in the literature in individuals affected with VPS13B-related conditions. This variant is not present in population databases (gnomAD no frequency). This sequence change replaces asparagine, which is neutral and polar, with aspartic acid, which is acidic and polar, at codon 2253 of the VPS13B protein (p.Asn2253Asp).